The following is an entry in ClinVar:

ClinVar aggregate classification (germline): Pathogenic (0 of 4 stars; one submission).

Submission:

GenMed Metabolism Lab
Classification: Pathogenic. Review status: no assertion criteria provided. Collection method: not provided. Allele origin: unknown.
Comment: Late, Donor splice site error
ClinVar note: Converted during submission from pathogenic to Pathogenic.

NM_000531.6(OTC):c.216+1G>T

Gene: OTC (ornithine transcarbamylase; plus strand). Cytogenetic location: Xp11.4.
Variant type: single nucleotide variant.
Coding change: c.216+1G>T on transcript NM_000531.6 (MANE Select); the canonical splice donor site of the intron after coding-DNA position 216, G replaced by T.
Molecular consequence: splice donor variant.
Genome position (GRCh38, 1-based): chrX:38,367,430, G>T. VCF-style: chrX-38367430-G-T. GRCh37 (hg19) VCF-style: chrX-38226683-G-T.
Other names: c.216+1G>T (NM_001407092.1).
Identifiers: ClinVar variation 97135 (VCV000097135.2), dbSNP rs66693137, ClinGen allele CA224503.
Genomic context (GRCh38, chrX:38,367,430, plus strand): 5'-ATTAAATATATGCTATGGCTATCAGCAGATCTGAAATTTAGGATAAAACAGAAAGGAGAG[G>T]TATGTAACATTTTCTTTTTACGTTCCATTACTACCAGTCCCCTTTTTTTAAAGGCAGCCT-3'